The following is an entry in ClinVar:

ClinVar aggregate classification (germline): Uncertain significance (1 of 4 stars; one submission).

Conditions:
Spinocerebellar ataxia, autosomal recessive, with axonal neuropathy 2 (SCAN2). Also called: Ataxia-ocular apraxia-2; Ataxia with Oculomotor Apraxia; Ataxia with Oculomotor Apraxia Type 2; ATAXIA-OCULOMOTOR APRAXIA 2. Identifiers: Orphanet 64753, MedGen C1853761, MONDO:0018996, OMIM 606002.
Amyotrophic lateral sclerosis type 4 (ALS4). Also called: AMYOTROPHIC LATERAL SCLEROSIS 4, JUVENILE; NEURONOPATHY, DISTAL HEREDITARY MOTOR, WITH PYRAMIDAL FEATURES. Identifiers: Orphanet 357043, MedGen C1865409, MONDO:0011223, OMIM 602433.

Submission:

Labcorp Genetics (formerly Invitae), Labcorp
Classification: Uncertain significance for Amyotrophic lateral sclerosis type 4; Spinocerebellar ataxia, autosomal recessive, with axonal neuropathy 2. Last evaluated: 2021-08-21. Review status: criteria provided, single submitter. Criteria: Invitae Variant Classification Sherloc (09022015). Collection method: clinical testing. Allele origin: germline.
Comment: In summary, the available evidence is currently insufficient to determine the role of this variant in disease. Therefore, it has been classified as a Variant of Uncertain Significance. Advanced modeling of protein sequence and biophysical properties (such as structural, functional, and spatial information, amino acid conservation, physicochemical variation, residue mobility, and thermodynamic stability) performed at Invitae indicates that this missense variant is expected to disrupt SETX protein function. This variant has not been reported in the literature in individuals affected with SETX-related conditions. This variant is present in population databases (rs199974622, ExAC 0.001%). This sequence change replaces methionine with lysine at codon 1506 of the SETX protein (p.Met1506Lys). The methionine residue is moderately conserved and there is a moderate physicochemical difference between methionine and lysine.

NM_015046.7(SETX):c.4517T>A (p.Met1506Lys)

Gene: SETX (senataxin; minus strand). Cytogenetic location: 9q34.13.
Variant type: single nucleotide variant.
Coding change: c.4517T>A on transcript NM_015046.7 (MANE Select); coding-DNA position 4517, T replaced by A.
Protein change: p.Met1506Lys; replaces methionine 1506 with lysine.
Molecular consequence: missense variant.
Genome position (GRCh38, 1-based): chr9:132,327,081, A>T on the plus strand (T>A on the coding strand, the complement: SETX is on the minus strand). VCF-style: chr9-132327081-A-T. GRCh37 (hg19) VCF-style: chr9-135202468-A-T.
Other names: c.4517T>A, p.Met1506Lys (NM_001351527.2, NM_001351528.2); short protein forms M1506K.
Identifiers: ClinVar variation 1464859 (VCV001464859.6), dbSNP rs199974622, ClinGen allele CA5297185.